The following is an entry in ClinVar:

ClinVar aggregate classification (germline): Uncertain significance. Review status: criteria provided, multiple submitters, no conflicts (2 of 4 stars). 2 submissions from 2 submitters: Uncertain significance (2). Last evaluated 2026-08-05.

Allele frequency attached by ClinVar (database versions not stated): gnomAD exomes below 0.00001.
gnomAD v4.1: 2 of 1,613,842 alleles (0.00012%); highest among the groups gnomAD compares: Middle Eastern, 0.016%; no homozygotes.

Submissions (2):

GeneDx
Classification: Uncertain significance. Last evaluated: 2026-08-05. Review status: criteria provided, single submitter. Criteria: GeneDx Variant Classification Process June 2021. Collection method: clinical testing. Allele origin: germline.
Comment: Not observed at significant frequency in large population cohorts (gnomAD); In silico analysis suggests that this missense variant does not alter protein structure/function; Has not been previously published as pathogenic or benign to our knowledge

Labcorp Genetics (formerly Invitae), Labcorp
Classification: Uncertain significance. Last evaluated: 2024-12-05. Review status: criteria provided, single submitter. Criteria: Invitae Variant Classification Sherloc (09022015). Collection method: clinical testing. Allele origin: germline.
Comment: This sequence change replaces isoleucine, which is neutral and non-polar, with valine, which is neutral and non-polar, at codon 1710 of the CDH23 protein (p.Ile1710Val). This variant is not present in population databases (gnomAD no frequency). This variant has not been reported in the literature in individuals affected with CDH23-related conditions. ClinVar contains an entry for this variant (Variation ID: 1703355). Invitae Evidence Modeling of protein sequence and biophysical properties (such as structural, functional, and spatial information, amino acid conservation, physicochemical variation, residue mobility, and thermodynamic stability) has been performed for this missense variant. However, the output from this modeling did not meet the statistical confidence thresholds required to predict the impact of this variant on CDH23 protein function. In summary, the available evidence is currently insufficient to determine the role of this variant in disease. Therefore, it has been classified as a Variant of Uncertain Significance.

NM_022124.6(CDH23):c.5128A>G (p.Ile1710Val)

Gene: CDH23 (cadherin related 23; plus strand). Cytogenetic location: 10q22.1.
Variant type: single nucleotide variant.
Coding change: c.5128A>G on transcript NM_022124.6 (MANE Select); coding-DNA position 5128, A replaced by G.
Protein change: p.Ile1710Val; replaces isoleucine 1710 with valine.
Molecular consequence: missense variant.
Genome position (GRCh38, 1-based): chr10:71,778,249, A>G. VCF-style: chr10-71778249-A-G. GRCh37 (hg19) VCF-style: chr10-73538006-A-G.
Other names: short protein forms I1710V.
Identifiers: ClinVar variation 1703355 (VCV001703355.5), dbSNP rs2494341080, ClinGen allele CA377140980.
Genomic context (GRCh38, chr10:71,778,249, plus strand): 5'-GGTGTCATCACTGCTGCCAAAGAGCTGGACTACGAGATCAGCCACGGCCGCTACACCCTG[A>G]TCGTCACTGCCACAGACCAGTGCCCCATCTTATCCCACCGCCTCACCTCTACCACCACGG-3'
Protein context (NP_071407.4, residues 1700-1720): YEISHGRYTL[Ile1710Val]VTATDQCPIL